The following is an entry in ClinVar:

ClinVar aggregate classification (germline): Uncertain significance (1 of 4 stars; one submission).

Conditions:
Nephronophthisis 15 (NPHP15). Identifiers: Orphanet 3156, MedGen C3541853, MONDO:0013917, OMIM 614845.

Allele frequency attached by ClinVar (database versions not stated): gnomAD 0.00001; gnomAD exomes 0.00001; TOPMed 0.00001.
gnomAD v4.1: 14 of 1,613,928 alleles (0.00087%); highest among the groups gnomAD compares: Middle Eastern, 0.016%; no homozygotes.

Submission:

Labcorp Genetics (formerly Invitae), Labcorp
Classification: Uncertain significance for Nephronophthisis 15. Last evaluated: 2024-03-05. Review status: criteria provided, single submitter. Criteria: Invitae Variant Classification Sherloc (09022015). Collection method: clinical testing. Allele origin: germline.
Comment: This sequence change replaces serine, which is neutral and polar, with alanine, which is neutral and non-polar, at codon 1366 of the CEP164 protein (p.Ser1366Ala). This variant is present in population databases (no rsID available, gnomAD 0.0009%). This variant has not been reported in the literature in individuals affected with CEP164-related conditions. ClinVar contains an entry for this variant (Variation ID: 958349). Algorithms developed to predict the effect of missense changes on protein structure and function output the following: SIFT: "Not Available"; PolyPhen-2: "Benign"; Align-GVGD: "Not Available". The alanine amino acid residue is found in multiple mammalian species, which suggests that this missense change does not adversely affect protein function. In summary, the available evidence is currently insufficient to determine the role of this variant in disease. Therefore, it has been classified as a Variant of Uncertain Significance.

NM_014956.5(CEP164):c.4096T>G (p.Ser1366Ala)

Gene: CEP164 (centrosomal protein 164; plus strand). Cytogenetic location: 11q23.3.
Variant type: single nucleotide variant.
Coding change: c.4096T>G on transcript NM_014956.5 (MANE Select); coding-DNA position 4096, T replaced by G.
Protein change: p.Ser1366Ala; replaces serine 1366 with alanine.
Molecular consequence: missense variant.
Genome position (GRCh38, 1-based): chr11:117,409,965, T>G. VCF-style: chr11-117409965-T-G. GRCh37 (hg19) VCF-style: chr11-117280681-T-G.
Other names: c.4081T>G, p.Ser1361Ala (NM_001271933.2); short protein forms S1366A, S1361A.
Identifiers: ClinVar variation 958349 (VCV000958349.9), dbSNP rs1360828180, ClinGen allele CA382745317.